The following is an entry in ClinVar:

NM_001166108.2(PALLD):c.2158G>A (p.Val720Ile)

Genes: CBR4 (carbonyl reductase 4; minus strand), PALLD (palladin, cytoskeletal associated protein; plus strand). Cytogenetic location: 4q32.3.
Variant type: single nucleotide variant.
Coding change: c.2158G>A on transcript NM_001166108.2 (MANE Select); coding-DNA position 2158, G replaced by A.
Protein change: p.Val720Ile; replaces valine 720 with isoleucine.
Molecular consequence: missense variant.
Genome position (GRCh38, 1-based): chr4:168,894,636, G>A. VCF-style: chr4-168894636-G-A. GRCh37 (hg19) VCF-style: chr4-169815787-G-A.
Other names: c.1012G>A, p.Val338Ile (NM_001166109.2); c.697G>A, p.Val233Ile (NM_001166110.2); c.37G>A, p.Val13Ile (NM_001367567.1, NM_001367568.1, NM_001367569.1 and 1 more transcripts); c.2158G>A, p.Val720Ile (NM_016081.4); short protein forms V13I, V233I, V338I, V720I.
Identifiers: ClinVar variation 1014538 (VCV001014538.11), dbSNP rs1407253197, ClinGen allele CA358797737.

ClinVar aggregate classification (germline): Uncertain significance. Review status: criteria provided, multiple submitters, no conflicts (2 of 4 stars). 2 submissions from 2 submitters: Uncertain significance (2). Last evaluated 2023-10-16.

Conditions:
Pancreatic adenocarcinoma. Identifiers: MedGen C0281361, MONDO:0006047, HP:0006725.

Allele frequency attached by ClinVar (database versions not stated): gnomAD exomes below 0.00001 and 0.00002.
gnomAD v4.1: 18 of 1,613,806 alleles (0.0011%); highest among the groups gnomAD compares: Non-Finnish European, 0.0015%; no homozygotes.

Submissions (2):

Ambry Genetics
Classification: Uncertain significance. Last evaluated: 2023-10-16. Review status: criteria provided, single submitter. Criteria: Ambry Variant Classification Scheme 2023. Collection method: clinical testing. Allele origin: germline.
Comment: The p.V720I variant (also known as c.2158G>A), located in coding exon 11 of the PALLD gene, results from a G to A substitution at nucleotide position 2158. The valine at codon 720 is replaced by isoleucine, an amino acid with highly similar properties. This amino acid position is conserved. In addition, the in silico prediction for this alteration is inconclusive. Since supporting evidence is limited at this time, the clinical significance of this alteration remains unclear.

Labcorp Genetics (formerly Invitae), Labcorp
Classification: Uncertain significance for Pancreatic adenocarcinoma. Last evaluated: 2020-09-21. Review status: criteria provided, single submitter. Criteria: Invitae Variant Classification Sherloc (09022015). Collection method: clinical testing. Allele origin: germline.
Comment: In summary, the available evidence is currently insufficient to determine the role of this variant in disease. Therefore, it has been classified as a Variant of Uncertain Significance. Algorithms developed to predict the effect of missense changes on protein structure and function are either unavailable or do not agree on the potential impact of this missense change (SIFT: "Deleterious"; PolyPhen-2: "Benign"; Align-GVGD: "Class C25"). This variant has not been reported in the literature in individuals with PALLD-related conditions. This variant is not present in population databases (ExAC no frequency). This sequence change replaces valine with isoleucine at codon 233 of the PALLD protein (p.Val233Ile). The valine residue is highly conserved and there is a small physicochemical difference between valine and isoleucine.